The following is an entry in ClinVar:

NM_001382391.1(CSPP1):c.2672C>T (p.Pro891Leu)

Gene: CSPP1 (centrosome and spindle pole associated protein 1; plus strand). Cytogenetic location: 8q13.2.
Variant type: single nucleotide variant.
Coding change: c.2672C>T on transcript NM_001382391.1 (MANE Select); coding-DNA position 2672, C replaced by T.
Protein change: p.Pro891Leu; replaces proline 891 with leucine.
Molecular consequence: missense variant.
Genome position (GRCh38, 1-based): chr8:67,163,760, C>T. VCF-style: chr8-67163760-C-T. GRCh37 (hg19) VCF-style: chr8-68075995-C-T.
Other names: c.1622C>T, p.Pro541Leu (NM_001291339.2); c.2591C>T, p.Pro864Leu (NM_001363131.2); c.2477C>T, p.Pro826Leu (NM_001363132.2); c.2396C>T, p.Pro799Leu (NM_001363133.2); c.2738C>T, p.Pro913Leu (NM_001364869.1); c.2558C>T, p.Pro853Leu (NM_001364870.1); c.2657C>T, p.Pro886Leu (NM_024790.7); short protein forms P799L, P826L, P853L, P886L, P913L, P541L, P864L, P891L.
Identifiers: ClinVar variation 725949 (VCV000725949.12), dbSNP rs755021253, ClinGen allele CA4770903.

ClinVar aggregate classification (germline): Conflicting classifications of pathogenicity. Review status: criteria provided, conflicting classifications (1 of 4 stars). 4 submissions from 4 submitters: Uncertain significance (1); Likely benign (3). Last evaluated 2026-06-09.

Conditions:
Joubert syndrome 21 (JBTS21). Identifiers: MedGen C3810212, MONDO:0014288, OMIM 615636.
CSPP1-related disorder. Also called: CSPP1-related condition.

Allele frequency attached by ClinVar (database versions not stated): gnomAD exomes 0.00005 and 0.00017; gnomAD 0.00009; TOPMed 0.00011; ExAC 0.00013.
gnomAD v4.1: 80 of 1,613,464 alleles (0.005%); highest among the groups gnomAD compares: East Asian, 0.16%; no homozygotes.

Submissions (4):

PreventionGenetics, part of Exact Sciences
Classification: Likely benign for CSPP1-related condition. Last evaluated: 2026-06-09. Review status: criteria provided, single submitter. Criteria: ACMG Guidelines, 2015. Collection method: clinical testing. Allele origin: germline.
Comment: This variant is classified as likely benign based on ACMG/AMP sequence variant interpretation guidelines (Richards et al. 2015 PMID: 25741868, with internal and published modifications).

Labcorp Genetics (formerly Invitae), Labcorp
Classification: Likely benign for Joubert syndrome 21. Last evaluated: 2026-01-24. Review status: criteria provided, single submitter. Criteria: Invitae Variant Classification Sherloc (09022015). Collection method: clinical testing. Allele origin: germline.

Blueprint Genetics
Classification: Uncertain significance. Last evaluated: 2024-02-29. Review status: criteria provided, single submitter. Criteria: ACMG Guidelines, 2015. Collection method: clinical testing. Allele origin: germline.

Breakthrough Genomics
Classification: Likely benign. Review status: criteria provided, single submitter. Criteria: ACMG Guidelines, 2015. Collection method: not provided. Allele origin: germline. Inheritance: Autosomal recessive inheritance. Affected: yes.